The following is an entry in ClinVar:

ClinVar aggregate classification (germline): Uncertain significance (1 of 4 stars; one submission).

Submission:

Labcorp Genetics (formerly Invitae), Labcorp
Classification: Uncertain significance. Last evaluated: 2026-01-02. Review status: criteria provided, single submitter. Criteria: Invitae Variant Classification Sherloc (09022015). Collection method: clinical testing. Allele origin: germline.
Comment: This variant results in the deletion of part of exon 4 (c.730_826-137del) of the GATA5 gene. It is expected to disrupt RNA splicing. Variants that disrupt the donor or acceptor splice site typically lead to a loss of protein function (PMID: 16199547), however the current clinical and genetic evidence is not sufficient to establish whether loss-of-function variants in GATA5 cause disease. This variant is not present in population databases (gnomAD no frequency). This variant has not been reported in the literature in individuals affected with GATA5-related conditions. In summary, the available evidence is currently insufficient to determine the role of this variant in disease. Therefore, it has been classified as a Variant of Uncertain Significance.

Literature cited by the submitters: PubMed 16199547.

NM_080473.5(GATA5):c.730_826-137del

Gene: GATA5 (GATA binding protein 5; minus strand). Cytogenetic location: 20q13.33.
Variant type: Deletion.
Coding change: c.730_826-137del on transcript NM_080473.5 (MANE Select); coding-DNA position 730 through 137 bases into the intron before coding-DNA position 826, 464 bases deleted.
Molecular consequence: splice donor variant.
Genome position (GRCh38, 1-based): chr20:62,466,058-62,466,521, 464 bases deleted. GRCh37 (hg19): chr20:61,041,116-61,041,579.
Identifiers: ClinVar variation 4734592 (VCV004734592.1).